The following is an entry in ClinVar:

NM_005221.6(DLX5):c.331G>A (p.Val111Ile)

Gene: DLX5 (distal-less homeobox 5; minus strand). Cytogenetic location: 7q21.3.
Variant type: single nucleotide variant.
Coding change: c.331G>A on transcript NM_005221.6 (MANE Select); coding-DNA position 331, G replaced by A.
Protein change: p.Val111Ile; replaces valine 111 with isoleucine.
Molecular consequence: missense variant.
Genome position (GRCh38, 1-based): chr7:97,024,293, C>T on the plus strand (G>A on the coding strand, the complement: DLX5 is on the minus strand). VCF-style: chr7-97024293-C-T. GRCh37 (hg19) VCF-style: chr7-96653605-C-T.
Other names: short protein forms V111I.
Identifiers: ClinVar variation 2036668 (VCV002036668.4), dbSNP rs921422739, ClinGen allele CA163013105.

ClinVar aggregate classification (germline): Uncertain significance (1 of 4 stars; one submission).

Submission:

Labcorp Genetics (formerly Invitae), Labcorp
Classification: Uncertain significance. Last evaluated: 2022-11-04. Review status: criteria provided, single submitter. Criteria: Invitae Variant Classification Sherloc (09022015). Collection method: clinical testing. Allele origin: germline.
Comment: In summary, the available evidence is currently insufficient to determine the role of this variant in disease. Therefore, it has been classified as a Variant of Uncertain Significance. Advanced modeling of protein sequence and biophysical properties (such as structural, functional, and spatial information, amino acid conservation, physicochemical variation, residue mobility, and thermodynamic stability) performed at Invitae indicates that this missense variant is not expected to disrupt DLX5 protein function. This variant has not been reported in the literature in individuals affected with DLX5-related conditions. This variant is not present in population databases (gnomAD no frequency). This sequence change replaces valine, which is neutral and non-polar, with isoleucine, which is neutral and non-polar, at codon 111 of the DLX5 protein (p.Val111Ile).